The following is an entry in ClinVar:

ClinVar aggregate classification (germline): Uncertain significance (1 of 4 stars; one submission).

Conditions:
Cardiovascular phenotype. Identifiers: MedGen CN230736.

Submission:

Ambry Genetics
Classification: Uncertain significance for Cardiovascular phenotype. Last evaluated: 2022-01-26. Review status: criteria provided, single submitter. Criteria: Ambry Variant Classification Scheme 2023. Collection method: clinical testing. Allele origin: germline.
Comment: The c.794_800dupATAAGAT variant, located in coding exon 8 of the ANKRD1 gene, results from a duplication of ATAAGAT at nucleotide position 794, causing a translational frameshift with a predicted alternate stop codon (p.M267Ifs*2). This alteration is expected to result in loss of function by premature protein truncation or nonsense-mediated mRNA decay. However, loss of function of ANKRD1 has not been clearly established as a mechanism of disease, and the evidence for this gene-disease relationship is limited; therefore, the clinical significance of this alteration is unclear.

NM_014391.3(ANKRD1):c.794_800dup (p.Met267delinsIleTer)

Gene: ANKRD1 (ankyrin repeat domain 1; minus strand). Cytogenetic location: 10q23.31.
Variant type: Duplication.
Coding change: c.794_800dup on transcript NM_014391.3 (MANE Select); coding-DNA positions 794 to 800, 7 bases duplicated (ATAAGAT; older notation c.794_800dupATAAGAT).
Protein change: p.Met267delinsIleTer.
Molecular consequence: nonsense. On other transcripts: frameshift variant (1).
Genome position (GRCh38, 1-based): chr10:90,915,592-90,915,598, ATCTTAT duplicated on the plus strand (ATAAGAT on the coding strand, the reverse complement: ANKRD1 is on the minus strand); duplicating any 7 consecutive bases within chr10:90,915,592-90,915,599 gives the same sequence; the c. name uses the placement nearest the transcript's 3' end. VCF-style (leftmost placement, unchanged base first): chr10-90915591-C-CATCTTAT. GRCh37 (hg19) VCF-style: chr10-92675348-C-CATCTTAT.
Other names: c.794_800dupATAAGAT (NM_014391.2).
Identifiers: ClinVar variation 1761327 (VCV001761327.2), dbSNP rs2492955095, ClinGen allele CA2580082290.